The following is an entry in ClinVar:

NM_000179.3(MSH6):c.1087A>C (p.Thr363Pro)

Gene: MSH6 (mutS homolog 6; plus strand). Cytogenetic location: 2p16.3.
Variant type: single nucleotide variant.
Coding change: c.1087A>C on transcript NM_000179.3 (MANE Select); coding-DNA position 1087, A replaced by C.
Protein change: p.Thr363Pro; replaces threonine 363 with proline.
Molecular consequence: missense variant.
Genome position (GRCh38, 1-based): chr2:47,799,070, A>C. VCF-style: chr2-47799070-A-C. GRCh37 (hg19) VCF-style: chr2-48026209-A-C.
Other names: c.697A>C, p.Thr233Pro (NM_001281492.2); c.181A>C, p.Thr61Pro (NM_001281493.2, NM_001281494.2); short protein forms T233P, T363P, T61P.
Identifiers: ClinVar variation 920786 (VCV000920786.5), dbSNP rs764965018, ClinGen allele CA346741829.

ClinVar aggregate classification (germline): Uncertain significance. Review status: criteria provided, multiple submitters, no conflicts (2 of 4 stars). 2 submissions from 2 submitters: Uncertain significance (2). Last evaluated 2024-06-18.

Conditions:
Hereditary cancer-predisposing syndrome. Also called: Neoplastic Syndromes, Hereditary; Tumor predisposition; Hereditary Cancer Syndrome; Hereditary neoplastic syndrome. Identifiers: Orphanet 140162, MedGen C0027672, MeSH D009386, MONDO:0015356.

gnomAD v4.1: 1 of 1,614,178 alleles (0.000062%); highest among the groups gnomAD compares: Non-Finnish European, 0.000085%; no homozygotes.

Submissions (2):

Ambry Genetics
Classification: Uncertain significance for Hereditary cancer-predisposing syndrome. Last evaluated: 2024-06-18. Review status: criteria provided, single submitter. Criteria: Ambry Variant Classification Scheme 2023. Collection method: clinical testing. Allele origin: germline.
Comment: The p.T363P variant (also known as c.1087A>C), located in coding exon 4 of the MSH6 gene, results from an A to C substitution at nucleotide position 1087. The threonine at codon 363 is replaced by proline, an amino acid with highly similar properties. This amino acid position is conserved. In addition, the in silico prediction for this alteration is inconclusive. Based on the available evidence, the clinical significance of this variant remains unclear.

Color Diagnostics, LLC DBA Color Health
Classification: Uncertain significance for Hereditary cancer-predisposing syndrome. Last evaluated: 2024-03-06. Review status: criteria provided, single submitter. Criteria: ACMG Guidelines, 2015. Collection method: clinical testing. Allele origin: germline.
Comment: This missense variant replaces threonine with proline at codon 363 of the MSH6 protein. Computational prediction is inconclusive regarding the impact of this variant on protein structure and function (internally defined REVEL score threshold 0.5 < inconclusive < 0.7, PMID: 27666373). Splice site prediction tools suggest that this variant may not impact RNA splicing. To our knowledge, functional studies have not been reported for this variant. This variant has not been reported in individuals affected with hereditary cancer in the literature. This variant has not been identified in the general population by the Genome Aggregation Database (gnomAD). The available evidence is insufficient to determine the role of this variant in disease conclusively. Therefore, this variant is classified as a Variant of Uncertain Significance.